The following is an entry in ClinVar:

ClinVar aggregate classification (germline): Pathogenic (1 of 4 stars; one submission).

Conditions:
Very long chain acyl-CoA dehydrogenase deficiency (ACADVLD). Also called: Very Long-Chain Acyl-Coenzyme A Dehydrogenase Deficiency; VLCAD Deficiency. Identifiers: Orphanet 26793, MedGen C3887523, MONDO:0008723, OMIM 201475.

Submission:

Labcorp Genetics (formerly Invitae), Labcorp
Classification: Pathogenic for Very long chain acyl-CoA dehydrogenase deficiency. Last evaluated: 2021-08-11. Review status: criteria provided, single submitter. Criteria: Invitae Variant Classification Sherloc (09022015). Collection method: clinical testing. Allele origin: germline.
Comment: For these reasons, this variant has been classified as Pathogenic. This variant has not been reported in the literature in individuals affected with ACADVL-related conditions. This variant is not present in population databases (ExAC no frequency). This sequence change creates a premature translational stop signal (p.Gln380Profs*15) in the ACADVL gene. It is expected to result in an absent or disrupted protein product. Loss-of-function variants in ACADVL are known to be pathogenic (PMID: 9973285, 11590124).

Literature cited by the submitters: PubMed 9973285; PubMed 11590124.

NM_000018.4(ACADVL):c.1138dup (p.Gln380fs)

Gene: ACADVL (acyl-CoA dehydrogenase very long chain; plus strand). Cytogenetic location: 17p13.1.
Variant type: Duplication.
Coding change: c.1138dup on transcript NM_000018.4 (MANE Select); coding-DNA position 1138, one base duplicated (C; older notation c.1138dupC).
Protein change: p.Gln380fs; shifts the reading frame from glutamine 380.
Molecular consequence: frameshift variant.
Genome position (GRCh38, 1-based): chr17:7,223,193, C duplicated; the last of 2 consecutive C bases (chr17:7,223,192-7,223,193); duplicating either gives the same sequence. VCF-style (leftmost placement, unchanged base first): chr17-7223191-T-TC. GRCh37 (hg19) VCF-style: chr17-7126510-T-TC.
Other names: c.1072dup, p.Gln358fs (NM_001033859.3); c.1207dup, p.Gln403fs (NM_001270447.2); c.910dup, p.Gln304fs (NM_001270448.2); short protein forms Q304fs, Q403fs, Q358fs, Q380fs.
Identifiers: ClinVar variation 1442492 (VCV001442492.6), dbSNP rs2142982293, ClinGen allele CA2573154566.